The following is an entry in ClinVar:

NM_003283.6(TNNT1):c.428G>A (p.Arg143Gln)

Gene: TNNT1 (troponin T1, slow skeletal type; minus strand). Cytogenetic location: 19q13.42.
Variant type: single nucleotide variant.
Coding change: c.428G>A on transcript NM_003283.6 (MANE Select); coding-DNA position 428, G replaced by A.
Protein change: p.Arg143Gln; replaces arginine 143 with glutamine.
Molecular consequence: missense variant.
Genome position (GRCh38, 1-based): chr19:55,138,034, C>T on the plus strand (G>A on the coding strand, the complement: TNNT1 is on the minus strand). VCF-style: chr19-55138034-C-T. GRCh37 (hg19) VCF-style: chr19-55649402-C-T.
Other names: c.428G>A, p.Arg143Gln (NM_001126132.3); c.395G>A, p.Arg132Gln (NM_001126133.3, NM_001291774.2); short protein forms R143Q, R132Q.
Identifiers: ClinVar variation 2073560 (VCV002073560.2), dbSNP rs367977700, ClinGen allele CA310132325.

ClinVar aggregate classification (germline): Uncertain significance (1 of 4 stars; one submission).

Conditions:
Nemaline myopathy 5 (NEM5A). Also called: NEMALINE MYOPATHY, AMISH TYPE; NEMALINE MYOPATHY 5A, AUTOSOMAL RECESSIVE, SEVERE INFANTILE; Nemaline myopathy 5, Amish type. Identifiers: Orphanet 98902, MedGen C1854380, MONDO:0011539, OMIM 605355.

Allele frequency attached by ClinVar (database versions not stated): TOPMed 0.00001; ESP Exome Variant Server 0.00008.

Submission:

Labcorp Genetics (formerly Invitae), Labcorp
Classification: Uncertain significance for Nemaline myopathy 5. Last evaluated: 2022-08-20. Review status: criteria provided, single submitter. Criteria: Invitae Variant Classification Sherloc (09022015). Collection method: clinical testing. Allele origin: germline.
Comment: In summary, the available evidence is currently insufficient to determine the role of this variant in disease. Therefore, it has been classified as a Variant of Uncertain Significance. Algorithms developed to predict the effect of missense changes on protein structure and function are either unavailable or do not agree on the potential impact of this missense change (SIFT: "Deleterious"; PolyPhen-2: "Probably Damaging"; Align-GVGD: "Class C0"). This variant has not been reported in the literature in individuals affected with TNNT1-related conditions. This variant is present in population databases (rs367977700, gnomAD 0.003%). This sequence change replaces arginine, which is basic and polar, with glutamine, which is neutral and polar, at codon 143 of the TNNT1 protein (p.Arg143Gln).